The following is an entry in ClinVar:

NM_000271.5(NPC1):c.106G>A (p.Gly36Arg)

Gene: NPC1 (NPC intracellular cholesterol transporter 1; minus strand). Cytogenetic location: 18q11.2.
Variant type: single nucleotide variant.
Coding change: c.106G>A on transcript NM_000271.5 (MANE Select); coding-DNA position 106, G replaced by A.
Protein change: p.Gly36Arg; replaces glycine 36 with arginine.
Molecular consequence: missense variant.
Genome position (GRCh38, 1-based): chr18:23,573,526, C>T on the plus strand (G>A on the coding strand, the complement: NPC1 is on the minus strand). VCF-style: chr18-23573526-C-T. GRCh37 (hg19) VCF-style: chr18-21153490-C-T.
Other names: short protein forms G36R.
Identifiers: ClinVar variation 1372798 (VCV001372798.6), dbSNP rs2059232891, ClinGen allele CA402041339.

ClinVar aggregate classification (germline): Uncertain significance (1 of 4 stars; one submission).

Conditions:
Niemann-Pick disease, type C1. Also called: NEUROVISCERAL STORAGE DISEASE WITH VERTICAL SUPRANUCLEAR OPHTHALMOPLEGIA; NIEMANN-PICK DISEASE WITH CHOLESTEROL ESTERIFICATION BLOCK; NIEMANN-PICK DISEASE WITHOUT SPHINGOMYELINASE DEFICIENCY; NIEMANN-PICK DISEASE, CHRONIC NEURONOPATHIC FORM; NIEMANN-PICK DISEASE, VARIANT TYPE C1. Identifiers: Orphanet 646, MedGen C3179455, MONDO:0009757, OMIM 257220.

Allele frequency attached by ClinVar (database versions not stated): gnomAD exomes below 0.00001; TOPMed below 0.00001.
gnomAD v4.1: 2 of 1,614,142 alleles (0.00012%); highest among the groups gnomAD compares: Admixed American, 0.0017%; no homozygotes.

Submission:

Labcorp Genetics (formerly Invitae), Labcorp
Classification: Uncertain significance for Niemann-Pick disease, type C1. Last evaluated: 2021-08-05. Review status: criteria provided, single submitter. Criteria: Invitae Variant Classification Sherloc (09022015). Collection method: clinical testing. Allele origin: germline.
Comment: In summary, the available evidence is currently insufficient to determine the role of this variant in disease. Therefore, it has been classified as a Variant of Uncertain Significance. Algorithms developed to predict the effect of sequence changes on RNA splicing suggest that this variant may create or strengthen a splice site. Algorithms developed to predict the effect of missense changes on protein structure and function (SIFT, PolyPhen-2, Align-GVGD) all suggest that this variant is likely to be tolerated. This variant has not been reported in the literature in individuals affected with NPC1-related conditions. This variant is not present in population databases (ExAC no frequency). This sequence change replaces glycine with arginine at codon 36 of the NPC1 protein (p.Gly36Arg). The glycine residue is moderately conserved and there is a moderate physicochemical difference between glycine and arginine.